The following is an entry in ClinVar:

ClinVar aggregate classification (germline): Uncertain significance (1 of 4 stars; one submission).

Submission:

Labcorp Genetics (formerly Invitae), Labcorp
Classification: Uncertain significance. Last evaluated: 2026-01-05. Review status: criteria provided, single submitter. Criteria: Invitae Variant Classification Sherloc (09022015). Collection method: clinical testing. Allele origin: germline.
Comment: This sequence change replaces lysine, which is basic and polar, with asparagine, which is neutral and polar, at codon 726 of the MYO3A protein (p.Lys726Asn). This variant is not present in population databases (gnomAD no frequency). This variant has not been reported in the literature in individuals affected with MYO3A-related conditions. ClinVar contains an entry for this variant (Variation ID: 3696564). Invitae Evidence Modeling of protein sequence and biophysical properties (such as structural, functional, and spatial information, amino acid conservation, physicochemical variation, residue mobility, and thermodynamic stability) indicates that this missense variant is not expected to disrupt MYO3A protein function with a negative predictive value of 80%. In summary, the available evidence is currently insufficient to determine the role of this variant in disease. Therefore, it has been classified as a Variant of Uncertain Significance.

NM_017433.5(MYO3A):c.2178A>T (p.Lys726Asn)

Gene: MYO3A (myosin IIIA; plus strand). Cytogenetic location: 10p12.1.
Variant type: single nucleotide variant.
Coding change: c.2178A>T on transcript NM_017433.5 (MANE Select); coding-DNA position 2178, A replaced by T.
Protein change: p.Lys726Asn; replaces lysine 726 with asparagine.
Molecular consequence: missense variant.
Genome position (GRCh38, 1-based): chr10:26,128,454, A>T. VCF-style: chr10-26128454-A-T. GRCh37 (hg19) VCF-style: chr10-26417383-A-T.
Other names: short protein forms K726N.
Identifiers: ClinVar variation 3696564 (VCV003696564.2).